The following is an entry in ClinVar:

NM_001134407.3(GRIN2A):c.3544G>A (p.Asp1182Asn)

Gene: GRIN2A (glutamate ionotropic receptor NMDA type subunit 2A; minus strand). Cytogenetic location: 16p13.2.
Variant type: single nucleotide variant.
Coding change: c.3544G>A on transcript NM_001134407.3 (MANE Select); coding-DNA position 3544, G replaced by A.
Protein change: p.Asp1182Asn; replaces aspartic acid 1182 with asparagine.
Molecular consequence: missense variant.
Genome position (GRCh38, 1-based): chr16:9,764,000, C>T on the plus strand (G>A on the coding strand, the complement: GRIN2A is on the minus strand). VCF-style: chr16-9764000-C-T. GRCh37 (hg19) VCF-style: chr16-9857857-C-T.
Other names: c.3544G>A, p.Asp1182Asn (NM_000833.5, NM_001134408.2); short protein forms D1182N.
Identifiers: ClinVar variation 864112 (VCV000864112.34), dbSNP rs375160358, ClinGen allele CA7896292.

ClinVar aggregate classification (germline): Conflicting classifications of pathogenicity. Review status: criteria provided, conflicting classifications (1 of 4 stars). 2 submissions from 2 submitters: Uncertain significance (1); Likely benign (1). Last evaluated 2026-01-26.

Conditions:
Landau-Kleffner syndrome (FESD). Also called: APHASIA, ACQUIRED, WITH EPILEPSY; EPILEPSY, FOCAL, WITH SPEECH DISORDER AND WITH OR WITHOUT MENTAL RETARDATION. Identifiers: Orphanet 1945, Orphanet 725, Orphanet 98818, MedGen C0282512, MONDO:0009509, OMIM 245570.

Allele frequency attached by ClinVar (database versions not stated): TOPMed 0.00002.
gnomAD v4.1: 13 of 1,613,974 alleles (0.00081%); highest among the groups gnomAD compares: East Asian, 0.0022%; no homozygotes.

Submissions (2):

Labcorp Genetics (formerly Invitae), Labcorp
Classification: Likely benign for Landau-Kleffner syndrome. Last evaluated: 2026-01-26. Review status: criteria provided, single submitter. Criteria: Invitae Variant Classification Sherloc (09022015). Collection method: clinical testing. Allele origin: germline.

CeGaT Center for Human Genetics Tuebingen
Classification: Uncertain significance. Last evaluated: 2022-12-01. Review status: criteria provided, single submitter. Criteria: CeGaT Center For Human Genetics Tuebingen Variant Classification Criteria Version 2. Collection method: clinical testing. Allele origin: germline. Affected: yes. Observed: 1 variant allele.
Comment: GRIN2A: PM2, BP4